The following is an entry in ClinVar:

NM_001040108.2(MLH3):c.401A>T (p.Glu134Val)

Gene: MLH3 (mutL homolog 3; minus strand). Cytogenetic location: 14q24.3.
Variant type: single nucleotide variant.
Coding change: c.401A>T on transcript NM_001040108.2 (MANE Select); coding-DNA position 401, A replaced by T.
Protein change: p.Glu134Val; replaces glutamic acid 134 with valine.
Molecular consequence: missense variant.
Genome position (GRCh38, 1-based): chr14:75,049,255, T>A on the plus strand (A>T on the coding strand, the complement: MLH3 is on the minus strand). VCF-style: chr14-75049255-T-A. GRCh37 (hg19) VCF-style: chr14-75515958-T-A.
Other names: c.401A>T, p.Glu134Val (NM_014381.3); short protein forms E134V.
Identifiers: ClinVar variation 1737087 (VCV001737087.2), dbSNP rs2503329421, ClinGen allele CA390450550.

ClinVar aggregate classification (germline): Uncertain significance (1 of 4 stars; one submission).

Submission:

Ambry Genetics
Classification: Uncertain significance. Last evaluated: 2022-07-26. Review status: criteria provided, single submitter. Criteria: Ambry Variant Classification Scheme 2023. Collection method: clinical testing. Allele origin: germline.
Comment: The p.E134V variant (also known as c.401A>T), located in coding exon 1 of the MLH3 gene, results from an A to T substitution at nucleotide position 401. The glutamic acid at codon 134 is replaced by valine, an amino acid with dissimilar properties. This amino acid position is conserved. In addition, this alteration is predicted to be deleterious by in silico analysis. Since supporting evidence is limited at this time, the clinical significance of this alteration remains unclear.